The following is an entry in ClinVar:

NM_206933.4(USH2A):c.11772del (p.Glu3924fs)

Gene: USH2A (usherin; minus strand). Cytogenetic location: 1q41.
Variant type: Deletion.
Coding change: c.11772del on transcript NM_206933.4 (MANE Select); coding-DNA position 11772, one base deleted (A; older notation c.11772delA).
Protein change: p.Glu3924fs; shifts the reading frame from glutamic acid 3924.
Molecular consequence: frameshift variant.
Genome position (GRCh38, 1-based): chr1:215,728,324, T deleted on the plus strand (A on the coding strand, the reverse complement: USH2A is on the minus strand); the first of 2 consecutive T bases (chr1:215,728,324-215,728,325); deleting either gives the same sequence. VCF-style (leftmost placement, unchanged base first): chr1-215728323-AT-A. GRCh37 (hg19) VCF-style: chr1-215901665-AT-A.
Other names: short protein forms E3924fs.
Identifiers: ClinVar variation 4884862 (VCV004884862.1).

ClinVar aggregate classification (germline): Likely pathogenic (1 of 4 stars; one submission).

Conditions:
Retinitis pigmentosa 39 (RP39). Identifiers: Orphanet 791, MedGen C3151138, MONDO:0013436, OMIM 613809.

Submission:

Center for Human Genetics and Genomic Medicine, Uniklinik Rwth Aachen
Classification: Likely pathogenic for Retinitis pigmentosa 39. Last evaluated: 2026-08-10. Review status: criteria provided, single submitter. Criteria: ACMG Guidelines, 2015. Collection method: clinical testing. Allele origin: unknown. Inheritance: Autosomal recessive inheritance. Affected: yes.
Comment: To date, this variant has not been reported in the literature or in the ClinVar database. In the general population (gnomAD v4.1.1), it has not yet been detected (PM2_Supporting). The variant represents a frameshift mutation followed by a stop codon. This typically leads either to premature termination of translation or to nonsense-mediated mRNA decay. In both cases, this results in a loss of protein function. For the USH2A gene, intolerance to haploinsufficiency has been described as a pathomechanism.